The following is an entry in ClinVar:

ClinVar aggregate classification (germline): Pathogenic (1 of 4 stars; one submission).

Allele frequency attached by ClinVar (database versions not stated): gnomAD exomes below 0.00001.
gnomAD v4.1: 1 of 1,613,880 alleles (0.000062%); highest among the groups gnomAD compares: Non-Finnish European, 0.000085%; no homozygotes.

Submission:

Labcorp Genetics (formerly Invitae), Labcorp
Classification: Pathogenic. Last evaluated: 2023-09-10. Review status: criteria provided, single submitter. Criteria: Invitae Variant Classification Sherloc (09022015). Collection method: clinical testing. Allele origin: germline.
Comment: This sequence change creates a premature translational stop signal (p.Trp272*) in the AAAS gene. It is expected to result in an absent or disrupted protein product. Loss-of-function variants in AAAS are known to be pathogenic (PMID: 11159947). This variant is not present in population databases (gnomAD no frequency). This variant has not been reported in the literature in individuals affected with AAAS-related conditions. For these reasons, this variant has been classified as Pathogenic.

Literature cited by the submitters: PubMed 11159947.

NM_015665.6(AAAS):c.816G>A (p.Trp272Ter)

Gene: AAAS (aladin WD repeat nucleoporin; minus strand). Cytogenetic location: 12q13.13.
Variant type: single nucleotide variant.
Coding change: c.816G>A on transcript NM_015665.6 (MANE Select); coding-DNA position 816, G replaced by A.
Protein change: p.Trp272Ter; replaces tryptophan 272 with a stop codon.
Molecular consequence: nonsense.
Genome position (GRCh38, 1-based): chr12:53,309,276, C>T on the plus strand (G>A on the coding strand, the complement: AAAS is on the minus strand). VCF-style: chr12-53309276-C-T. GRCh37 (hg19) VCF-style: chr12-53703060-C-T.
Other names: c.717G>A, p.Trp239Ter (NM_001173466.2); short protein forms W272*, W239*.
Identifiers: ClinVar variation 2759532 (VCV002759532.3), dbSNP rs2498609617, ClinGen allele CA385042153.